The following is an entry in ClinVar:

ClinVar aggregate classification (germline): Uncertain significance (1 of 4 stars; one submission).

Conditions:
Salla disease (SD). Also called: Less Severe FSASD (Salla Disease); Sialuria, Finnish type; N-acetylneuraminic acid (NANA) storage disease (NSD); Infantile sialic acid storage disorder (ISSD). Identifiers: Orphanet 309334, Orphanet 834, MedGen C1096903, MONDO:0011449, OMIM 604369.

Submission:

Labcorp Genetics (formerly Invitae), Labcorp
Classification: Uncertain significance for Salla disease. Last evaluated: 2022-09-06. Review status: criteria provided, single submitter. Criteria: Invitae Variant Classification Sherloc (09022015). Collection method: clinical testing. Allele origin: germline.
Comment: This sequence change replaces threonine, which is neutral and polar, with alanine, which is neutral and non-polar, at codon 401 of the SLC17A5 protein (p.Thr401Ala). This variant is not present in population databases (gnomAD no frequency). This variant has not been reported in the literature in individuals affected with SLC17A5-related conditions. Algorithms developed to predict the effect of missense changes on protein structure and function output the following: SIFT: "Deleterious"; PolyPhen-2: "Benign"; Align-GVGD: "Class C0". The alanine amino acid residue is found in multiple mammalian species, which suggests that this missense change does not adversely affect protein function. In summary, the available evidence is currently insufficient to determine the role of this variant in disease. Therefore, it has been classified as a Variant of Uncertain Significance.

NM_012434.5(SLC17A5):c.1201A>G (p.Thr401Ala)

Gene: SLC17A5 (solute carrier family 17 member 5; minus strand). Cytogenetic location: 6q13.
Variant type: single nucleotide variant.
Coding change: c.1201A>G on transcript NM_012434.5 (MANE Select); coding-DNA position 1201, A replaced by G.
Protein change: p.Thr401Ala; replaces threonine 401 with alanine.
Molecular consequence: missense variant.
Genome position (GRCh38, 1-based): chr6:73,610,458, T>C on the plus strand (A>G on the coding strand, the complement: SLC17A5 is on the minus strand). VCF-style: chr6-73610458-T-C. GRCh37 (hg19) VCF-style: chr6-74320181-T-C.
Other names: c.970A>G, p.Thr324Ala (NM_001382629.1); c.1201A>G, p.Thr401Ala (NM_001382630.1, NM_001382633.1); c.1222A>G, p.Thr408Ala (NM_001382631.1); c.1114A>G, p.Thr372Ala (NM_001382632.1); c.1042A>G, p.Thr348Ala (NM_001382634.1); c.1198A>G, p.Thr400Ala (NM_001382635.1); c.883A>G, p.Thr295Ala (NM_001382636.1); short protein forms T401A, T408A, T295A, T348A, T324A, T372A, T400A.
Identifiers: ClinVar variation 1954561 (VCV001954561.2), dbSNP rs2533412942, ClinGen allele CA364721025.